The following is an entry in ClinVar:

ClinVar aggregate classification (germline): Uncertain significance (1 of 4 stars; one submission).

Submission:

GeneDx
Classification: Uncertain significance. Last evaluated: 2026-01-05. Review status: criteria provided, single submitter. Criteria: GeneDx Variant Classification Process June 2021. Collection method: clinical testing. Allele origin: germline.
Comment: Not observed at significant frequency in large population cohorts (gnomAD); Nonsense variant predicted to result in protein truncation as the last 223 amino acids are lost, although loss-of-function variants have not been reported downstream of this position in the protein; Has not been previously published as pathogenic or benign to our knowledge

NM_024721.5(ZFHX4):c.10181dup (p.Tyr3394Ter)

Gene: ZFHX4 (zinc finger homeobox 4; plus strand). Cytogenetic location: 8q21.13.
Variant type: Duplication.
Coding change: c.10181dup on transcript NM_024721.5 (MANE Select); coding-DNA position 10181, one base duplicated (A; older notation c.10181dupA).
Protein change: p.Tyr3394Ter; replaces tyrosine 3394 with a stop codon.
Molecular consequence: nonsense.
Genome position (GRCh38, 1-based): chr8:76,863,895, A duplicated. VCF-style (leftmost placement, unchanged base first): chr8-76863894-T-TA. GRCh37 (hg19) VCF-style: chr8-77776130-T-TA.
Other names: c.10103dup, p.Tyr3368Ter (NM_001410934.1); short protein forms Y3368*, Y3394*.
Identifiers: ClinVar variation 3900330 (VCV003900330.2).